The following is an entry in ClinVar:

NM_006279.5(ST3GAL3):c.87G>A (p.Lys29=)

Gene: ST3GAL3 (ST3 beta-galactoside alpha-2,3-sialyltransferase 3; plus strand). Cytogenetic location: 1p34.1.
Variant type: single nucleotide variant.
Coding change: c.87G>A on transcript NM_006279.5 (MANE Select); coding-DNA position 87, G replaced by A.
Protein change: p.Lys29=; no amino-acid change (lysine 29 retained).
Molecular consequence: synonymous variant. On other transcripts: 5 prime UTR variant (1), non-coding transcript variant (8).
Genome position (GRCh38, 1-based): chr1:43,736,349, G>A. VCF-style: chr1-43736349-G-A. GRCh37 (hg19) VCF-style: chr1-44202020-G-A.
Other names: p.Lys29=; c.87G>A, p.Lys29= (NM_001270459.2, NM_001270460.2, NM_001270461.3 and 17 more transcripts); c.-367G>A (NM_001350621.2).
Identifiers: ClinVar variation 749996 (VCV000749996.14), dbSNP rs138684243, ClinGen allele CA814472.

ClinVar aggregate classification (germline): Likely benign. Review status: criteria provided, multiple submitters, no conflicts (2 of 4 stars). 3 submissions from 3 submitters: Likely benign (3). Last evaluated 2025-12-09.

Conditions:
Early-infantile DEE. Also called: Early infantile epileptic encephalopathy with suppression bursts; Ohtahara syndrome; Early infantile epileptic encephalopathy. Identifiers: Orphanet 1934, MedGen C0393706, MONDO:0800491.
Inborn genetic diseases. Identifiers: MedGen C0950123, MeSH D030342.

Allele frequency attached by ClinVar (database versions not stated): ExAC 0.00001; gnomAD 0.00001; gnomAD exomes 0.00001; TOPMed 0.00001; ESP Exome Variant Server 0.00008.
gnomAD v4.1: 10 of 1,614,006 alleles (0.00062%); highest among the groups gnomAD compares: Non-Finnish European, 0.00085%; no homozygotes.

Submissions (3):

Labcorp Genetics (formerly Invitae), Labcorp
Classification: Likely benign for Early-infantile DEE. Last evaluated: 2025-12-09. Review status: criteria provided, single submitter. Criteria: Invitae Variant Classification Sherloc (09022015). Collection method: clinical testing. Allele origin: germline.

Mayo Clinic Laboratories, Mayo Clinic
Classification: Likely benign. Last evaluated: 2025-04-10. Review status: criteria provided, single submitter. Criteria: ACMG Guidelines, 2015. Collection method: clinical testing. Allele origin: germline. Observed: 1 variant allele.
Comment: BP4, BP7

Ambry Genetics
Classification: Likely benign for Inborn genetic diseases. Last evaluated: 2019-03-22. Review status: criteria provided, single submitter. Criteria: Ambry Variant Classification Scheme 2023. Collection method: clinical testing. Allele origin: germline.